The following is an entry in ClinVar:

NM_018191.4(RCBTB1):c.373C>T (p.Leu125Phe)

Gene: RCBTB1 (RCC1 and BTB domain containing protein 1; minus strand). Cytogenetic location: 13q14.2.
Variant type: single nucleotide variant.
Coding change: c.373C>T on transcript NM_018191.4 (MANE Select); coding-DNA position 373, C replaced by T.
Protein change: p.Leu125Phe; replaces leucine 125 with phenylalanine.
Molecular consequence: missense variant. On other transcripts: 5 prime UTR variant (1), non-coding transcript variant (2).
Genome position (GRCh38, 1-based): chr13:49,559,989, G>A on the plus strand (C>T on the coding strand, the complement: RCBTB1 is on the minus strand). VCF-style: chr13-49559989-G-A. GRCh37 (hg19) VCF-style: chr13-50134125-G-A.
Other names: c.373C>T, p.Leu125Phe (NM_001352500.2, NM_001352501.2, NM_001352502.2 and 3 more transcripts); c.-237C>T (NM_001352506.2); short protein forms L125F.
Identifiers: ClinVar variation 1054002 (VCV001054002.5), dbSNP rs748883026, ClinGen allele CA6982900.

ClinVar aggregate classification (germline): Uncertain significance. Review status: criteria provided, multiple submitters, no conflicts (2 of 4 stars). 2 submissions from 2 submitters: Uncertain significance (2). Last evaluated 2024-01-10.

Allele frequency attached by ClinVar (database versions not stated): ExAC 0.00007; gnomAD exomes 0.00007 and 0.00024; gnomAD 0.00014; TOPMed 0.00017.
gnomAD v4.1: 377 of 1,614,064 alleles (0.023%); highest among the groups gnomAD compares: Non-Finnish European, 0.03%; no homozygotes.

Submissions (2):

Blueprint Genetics
Classification: Uncertain significance. Last evaluated: 2024-01-10. Review status: criteria provided, single submitter. Criteria: ACMG Guidelines, 2015. Collection method: clinical testing. Allele origin: germline.

Labcorp Genetics (formerly Invitae), Labcorp
Classification: Uncertain significance. Last evaluated: 2022-08-22. Review status: criteria provided, single submitter. Criteria: Invitae Variant Classification Sherloc (09022015). Collection method: clinical testing. Allele origin: germline.
Comment: This sequence change replaces leucine, which is neutral and non-polar, with phenylalanine, which is neutral and non-polar, at codon 125 of the RCBTB1 protein (p.Leu125Phe). This variant is present in population databases (rs748883026, gnomAD 0.02%). This variant has not been reported in the literature in individuals affected with RCBTB1-related conditions. ClinVar contains an entry for this variant (Variation ID: 1054002). Algorithms developed to predict the effect of missense changes on protein structure and function are either unavailable or do not agree on the potential impact of this missense change (SIFT: "Deleterious"; PolyPhen-2: "Benign"; Align-GVGD: "Class C0"). In summary, the available evidence is currently insufficient to determine the role of this variant in disease. Therefore, it has been classified as a Variant of Uncertain Significance.